The following is an entry in ClinVar:

NM_002528.7(NTHL1):c.236G>A (p.Trp79Ter)

Gene: NTHL1 (nth like DNA glycosylase 1; minus strand). Cytogenetic location: 16p13.3.
Variant type: single nucleotide variant.
Coding change: c.236G>A on transcript NM_002528.7 (MANE Select); coding-DNA position 236, G replaced by A.
Protein change: p.Trp79Ter; replaces tryptophan 79 with a stop codon.
Molecular consequence: nonsense. On other transcripts: intron variant (1).
Genome position (GRCh38, 1-based): chr16:2,046,246, C>T on the plus strand (G>A on the coding strand, the complement: NTHL1 is on the minus strand). VCF-style: chr16-2046246-C-T. GRCh37 (hg19) VCF-style: chr16-2096247-C-T.
Other names: c.236G>A, p.Trp79Ter (NM_001318193.2); c.24+34G>A (NM_001318194.2); short protein forms W79*.
Identifiers: ClinVar variation 4294190 (VCV004294190.1).

ClinVar aggregate classification (germline): Pathogenic (1 of 4 stars; one submission).

Conditions:
Familial adenomatous polyposis 3. Also called: NTHL1-related attenuated familial adenomatous polyposis; NTHL1-associated polyposis; NTHL1-Related Adenomatous Polyposis and Colorectal Cancer; NTHL1 Tumor Syndrome. Identifiers: Orphanet 220460, Orphanet 454840, MedGen C4225157, MONDO:0014630, OMIM 616415.

Submission:

Myriad Genetics, Inc.
Classification: Pathogenic for Familial adenomatous polyposis 3. Last evaluated: 2025-09-16. Review status: criteria provided, single submitter. Criteria: Myriad Autosomal Dominant, Autosomal Recessive and X-Linked Classification Criteria (2023). Collection method: clinical testing. Allele origin: unknown.
Comment: This variant is considered pathogenic. This variant creates a termination codon and is predicted to result in premature protein truncation.